The following is an entry in ClinVar:

NM_018979.4(WNK1):c.1620+4A>C

Gene: WNK1 (WNK lysine deficient protein kinase 1; plus strand). Cytogenetic location: 12p13.33.
Variant type: single nucleotide variant.
Coding change: c.1620+4A>C on transcript NM_018979.4 (MANE Select); 4 bases into the intron after coding-DNA position 1620, A replaced by C.
Molecular consequence: intron variant.
Genome position (GRCh38, 1-based): chr12:859,468, A>C. VCF-style: chr12-859468-A-C. GRCh37 (hg19) VCF-style: chr12-968634-A-C.
Other names: c.1620+4A>C (NM_213655.5, NM_001184985.2, NM_014823.3 and 1 more transcripts).
Identifiers: ClinVar variation 1056322 (VCV001056322.11), dbSNP rs765206647, ClinGen allele CA6381990.

ClinVar aggregate classification (germline): Conflicting classifications of pathogenicity. Review status: criteria provided, conflicting classifications (1 of 4 stars). 4 submissions from 4 submitters: Uncertain significance (3); Likely benign (1). Last evaluated 2026-04-23.

Conditions:
Neuropathy, hereditary sensory and autonomic, type 2A (HSAN2A). Also called: MORVAN DISEASE; WNK1-Related HSAN2 (HSAN2A); ACROOSTEOLYSIS, GIACCAI TYPE; ACROOSTEOLYSIS, NEUROGENIC; HSAN IIA; NEUROPATHY, CONGENITAL SENSORY. Identifiers: Orphanet 970, MedGen C2752089, MONDO:0024309, OMIM 201300.
Pseudohypoaldosteronism type 2C (PHA2C). Also called: Pseudohypoaldosteronism Type IIC. Identifiers: Orphanet 757, Orphanet 88940, MedGen C1840391, MONDO:0013778, OMIM 614492.
WNK1-related disorder. Also called: WNK1-related condition.
Inborn genetic diseases. Identifiers: MedGen C0950123, MeSH D030342.

Allele frequency attached by ClinVar (database versions not stated): ExAC 0.00001; gnomAD 0.00001; gnomAD exomes 0.00001 and 0.00002; TOPMed 0.00001.
gnomAD v4.1: 14 of 1,602,976 alleles (0.00087%); highest among the groups gnomAD compares: Non-Finnish European, 0.0012%; no homozygotes.

Submissions (4):

PreventionGenetics, part of Exact Sciences
Classification: Likely benign for WNK1-related condition. Last evaluated: 2026-04-23. Review status: criteria provided, single submitter. Criteria: ACMG Guidelines, 2015. Collection method: clinical testing. Allele origin: germline.
Comment: This variant is classified as likely benign based on ACMG/AMP sequence variant interpretation guidelines (Richards et al. 2015 PMID: 25741868, with internal and published modifications).

Labcorp Genetics (formerly Invitae), Labcorp
Classification: Uncertain significance for Neuropathy, hereditary sensory and autonomic, type 2A; Pseudohypoaldosteronism type 2C. Last evaluated: 2025-10-21. Review status: criteria provided, single submitter. Criteria: Invitae Variant Classification Sherloc (09022015). Collection method: clinical testing. Allele origin: germline.
Comment: This sequence change falls in intron 6 of the WNK1 gene. It does not directly change the encoded amino acid sequence of the WNK1 protein. It affects a nucleotide within the consensus splice site. This variant is present in population databases (rs765206647, gnomAD 0.002%). This variant has not been reported in the literature in individuals affected with WNK1-related conditions. ClinVar contains an entry for this variant (Variation ID: 1056322). Variants that disrupt the consensus splice site are a relatively common cause of aberrant splicing (PMID: 17576681, 9536098). Algorithms developed to predict the effect of sequence changes on RNA splicing suggest that this variant may disrupt the consensus splice site. In summary, the available evidence is currently insufficient to determine the role of this variant in disease. Therefore, it has been classified as a Variant of Uncertain Significance.

Fulgent Genetics
Classification: Uncertain significance for Neuropathy, hereditary sensory and autonomic, type 2A; Pseudohypoaldosteronism type 2C. Last evaluated: 2021-07-03. Review status: criteria provided, single submitter. Criteria: ACMG Guidelines, 2015. Collection method: clinical testing. Allele origin: unknown.

Ambry Genetics
Classification: Uncertain significance for Inborn genetic diseases. Last evaluated: 2019-11-26. Review status: criteria provided, single submitter. Criteria: Ambry Variant Classification Scheme 2023. Collection method: clinical testing. Allele origin: germline.
Comment: The c.1620+4A>C intronic variant results from an A to C substitution 4 nucleotides after coding exon 6 in the WNK1 gene. This nucleotide position is highly conserved in available vertebrate species. Using the BDGP and ESEfinder splice site prediction tools, this alteration is predicted to abolish the native splice donor site; however, direct evidence is unavailable. Since supporting evidence is limited at this time, the clinical significance of this alteration remains unclear.

Literature cited by the submitters: PubMed 17576681 (cited by Labcorp Genetics (formerly Invitae), Labcorp); PubMed 9536098 (cited by Labcorp Genetics (formerly Invitae), Labcorp).